The following is an entry in ClinVar:

NM_004380.3(CREBBP):c.2406C>T (p.Ser802=)

Gene: CREBBP (CREB binding lysine acetyltransferase; minus strand). Cytogenetic location: 16p13.3.
Variant type: single nucleotide variant.
Coding change: c.2406C>T on transcript NM_004380.3 (MANE Select); coding-DNA position 2406, C replaced by T.
Protein change: p.Ser802=; no amino-acid change (serine 802 retained).
Molecular consequence: synonymous variant.
Genome position (GRCh38, 1-based): chr16:3,773,808, G>A on the plus strand (C>T on the coding strand, the complement: CREBBP is on the minus strand). VCF-style: chr16-3773808-G-A. GRCh37 (hg19) VCF-style: chr16-3823809-G-A.
Other names: c.2292C>T, p.Ser764= (NM_001079846.1).
Identifiers: ClinVar variation 3354271 (VCV003354271.1).

ClinVar aggregate classification (germline): Likely benign (0 of 4 stars; one submission).

Conditions:
CREBBP-related disorder. Also called: CREBBP-related condition; CREBBP-related disorders.

gnomAD v4.1: 3 of 1,613,340 alleles (0.00019%); highest among the groups gnomAD compares: South Asian, 0.0022%; no homozygotes.

Submission:

PreventionGenetics, part of Exact Sciences
Classification: Likely benign for CREBBP-related condition. Last evaluated: 2024-02-26. Review status: no assertion criteria provided. Collection method: clinical testing. Allele origin: germline.
Comment: This variant is classified as likely benign based on ACMG/AMP sequence variant interpretation guidelines (Richards et al. 2015 PMID: 25741868, with internal and published modifications).